The following is an entry in ClinVar:

ClinVar aggregate classification (germline): Uncertain significance. Review status: criteria provided, multiple submitters, no conflicts (2 of 4 stars). 2 submissions from 2 submitters: Uncertain significance (2). Last evaluated 2022-12-05.

Conditions:
Combined oxidative phosphorylation defect type 27. Also called: Combined oxidative phosphorylation deficiency 27. Identifiers: Orphanet 477774, MedGen C5567608, MONDO:0014728, OMIM 616672.
Inborn genetic diseases. Identifiers: MedGen C0950123, MeSH D030342.

Allele frequency attached by ClinVar (database versions not stated): gnomAD exomes below 0.00001 and 0.00001; gnomAD 0.00001; ExAC 0.00002; TOPMed 0.00002; 1000 Genomes Project 30x 0.00016; 1000 Genomes Project 0.00020.
gnomAD v4.1: 16 of 1,495,878 alleles (0.0011%); highest among the groups gnomAD compares: East Asian, 0.027%; no homozygotes.

Submissions (2):

Ambry Genetics
Classification: Uncertain significance for Inborn genetic diseases. Last evaluated: 2022-12-05. Review status: criteria provided, single submitter. Criteria: Ambry Variant Classification Scheme 2023. Collection method: clinical testing. Allele origin: germline.

Labcorp Genetics (formerly Invitae), Labcorp
Classification: Uncertain significance for Combined oxidative phosphorylation defect type 27. Last evaluated: 2022-05-21. Review status: criteria provided, single submitter. Criteria: Invitae Variant Classification Sherloc (09022015). Collection method: clinical testing. Allele origin: germline.
Comment: In summary, the available evidence is currently insufficient to determine the role of this variant in disease. Therefore, it has been classified as a Variant of Uncertain Significance. Algorithms developed to predict the effect of missense changes on protein structure and function (SIFT, PolyPhen-2, Align-GVGD) all suggest that this variant is likely to be disruptive. ClinVar contains an entry for this variant (Variation ID: 849127). This variant has not been reported in the literature in individuals affected with CARS2-related conditions. This variant is not present in population databases (gnomAD no frequency). This sequence change replaces isoleucine, which is neutral and non-polar, with valine, which is neutral and non-polar, at codon 126 of the CARS2 protein (p.Ile126Val).

NM_024537.4(CARS2):c.376A>G (p.Ile126Val)

Gene: CARS2 (cysteinyl-tRNA synthetase 2, mitochondrial; minus strand). Cytogenetic location: 13q34.
Variant type: single nucleotide variant.
Coding change: c.376A>G on transcript NM_024537.4 (MANE Select); coding-DNA position 376, A replaced by G.
Protein change: p.Ile126Val; replaces isoleucine 126 with valine.
Molecular consequence: missense variant. On other transcripts: 5 prime UTR variant (1), non-coding transcript variant (2).
Genome position (GRCh38, 1-based): chr13:110,701,455, T>C on the plus strand (A>G on the coding strand, the complement: CARS2 is on the minus strand). VCF-style: chr13-110701455-T-C. GRCh37 (hg19) VCF-style: chr13-111353802-T-C.
Other names: c.-624A>G (NM_001352252.2); c.376A>G, p.Ile126Val (NM_001352253.3); c.376A>G (NM_024537.2); short protein forms I126V.
Identifiers: ClinVar variation 849127 (VCV000849127.11), dbSNP rs150341415, ClinGen allele CA7052298.